The following is an entry in ClinVar:

ClinVar aggregate classification (germline): Likely benign. Review status: criteria provided, multiple submitters, no conflicts (2 of 4 stars). 4 submissions from 4 submitters: Likely benign (3). 1 of the submissions does not count toward it. Last evaluated 2026-05-13.

Conditions:
NF1-related disorder. Also called: NF1-related condition. Identifiers: MedGen CN379171.
Neurofibromatosis, familial spinal (FSNF). Identifiers: Orphanet 636, MedGen C1834235, MONDO:0008078, OMIM 162210. Disease mechanism: loss of function.
Juvenile myelomonocytic leukemia (JMML). Also called: LEUKEMIA, JUVENILE MYELOMONOCYTIC, SOMATIC. Identifiers: Orphanet 86834, MedGen C0349639, MONDO:0011908, OMIM 607785, HP:0012209.
Café-au-lait macules with pulmonary stenosis (WTSN). Also called: PULMONIC STENOSIS WITH CAFE-AU-LAIT SPOTS. Identifiers: MedGen C0553586, MONDO:0008672, OMIM 193520.
Neurofibromatosis, type 1 (NF1). Also called: Neurofibromatosis, type I; NEUROFIBROMATOSIS, TYPE I, SOMATIC; Peripheral type neurofibromatosis; VON RECKLINGHAUSEN DISEASE. Identifiers: Orphanet 636, MedGen C0027831, MONDO:0018975, OMIM 162200. Disease mechanism: loss of function.
Neurofibromatosis-Noonan syndrome (NFNS). Also called: NEUROFIBROMATOSIS WITH NOONAN PHENOTYPE. Identifiers: Orphanet 638, MedGen C2931482, MONDO:0011035, OMIM 601321. Disease mechanism: loss of function.

Allele frequency attached by ClinVar (database versions not stated): ExAC 0.00001; TOPMed 0.00002; gnomAD 0.00003; gnomAD exomes 0.00001 and below 0.00001.
gnomAD v4.1: 6 of 1,609,232 alleles (0.00037%); highest among the groups gnomAD compares: African/African-American, 0.008%; no homozygotes.

Submissions (4):

Myriad Genetics, Inc.
Classification: Likely benign for Neurofibromatosis, type 1. Last evaluated: 2026-05-13. Review status: criteria provided, single submitter. Criteria: Myriad Autosomal Dominant, Autosomal Recessive and X-Linked Classification Criteria (2023). Collection method: clinical testing. Allele origin: unknown.
Comment: This variant is considered likely benign. This variant is intronic and is not expected to impact mRNA splicing.

Labcorp Genetics (formerly Invitae), Labcorp
Classification: Likely benign for Neurofibromatosis, type 1. Last evaluated: 2025-10-26. Review status: criteria provided, single submitter. Criteria: Invitae Variant Classification Sherloc (09022015). Collection method: clinical testing. Allele origin: germline.

Fulgent Genetics
Classification: Likely benign for Neurofibromatosis, type 1; Neurofibromatosis, familial spinal; Café-au-lait macules with pulmonary stenosis; Neurofibromatosis-Noonan syndrome; Juvenile myelomonocytic leukemia. Last evaluated: 2021-11-24. Review status: criteria provided, single submitter. Criteria: ACMG Guidelines, 2015. Collection method: clinical testing. Allele origin: unknown.

PreventionGenetics, part of Exact Sciences
Classification: Likely benign for NF1-related condition. Last evaluated: 2022-03-11. Review status: no assertion criteria provided. Collection method: clinical testing. Allele origin: germline. Not counted in ClinVar's aggregate classification.
Comment: This variant is classified as likely benign based on ACMG/AMP sequence variant interpretation guidelines (Richards et al. 2015 PMID: 25741868, with internal and published modifications).

NM_001042492.3(NF1):c.7189+7A>G

Gene: NF1 (neurofibromin 1; plus strand). Cytogenetic location: 17q11.2.
Variant type: single nucleotide variant.
Coding change: c.7189+7A>G on transcript NM_001042492.3 (MANE Select); 7 bases into the intron after coding-DNA position 7189, A replaced by G.
Molecular consequence: intron variant.
Genome position (GRCh38, 1-based): chr17:31,343,142, A>G. VCF-style: chr17-31343142-A-G. GRCh37 (hg19) VCF-style: chr17-29670160-A-G.
Other names: c.7189+7A>G (NM_001042492.2); c.7126+7A>G (NM_000267.4).
Identifiers: ClinVar variation 527665 (VCV000527665.14), dbSNP rs767151173, ClinGen allele CA8487509.